The following is an entry in ClinVar:

NM_004064.5(CDKN1B):c.409C>T (p.Pro137Ser)

Gene: CDKN1B (cyclin dependent kinase inhibitor 1B; plus strand). Cytogenetic location: 12p13.1.
Variant type: single nucleotide variant.
Coding change: c.409C>T on transcript NM_004064.5 (MANE Select); coding-DNA position 409, C replaced by T.
Protein change: p.Pro137Ser; replaces proline 137 with serine.
Molecular consequence: missense variant.
Genome position (GRCh38, 1-based): chr12:12,718,248, C>T. VCF-style: chr12-12718248-C-T. GRCh37 (hg19) VCF-style: chr12-12871182-C-T.
Other names: c.409C>T (NM_004064.3); short protein forms P137S.
Identifiers: ClinVar variation 1054735 (VCV001054735.13), dbSNP rs752620765, ClinGen allele CA383970654.
Genomic context (GRCh38, chr12:12,718,248, plus strand): 5'-CCTTTAATTGGGGCTCCGGCTAACTCTGAGGACACGCATTTGGTGGACCCAAAGACTGAT[C>T]CGTCGGACAGCCAGACGGGGTTAGCGGAGCAATGCGCAGGAATAAGGAAGCGACCTGCAA-3'
Protein context (NP_004055.1, residues 127-147): DTHLVDPKTD[Pro137Ser]SDSQTGLAEQ

ClinVar aggregate classification (germline): Uncertain significance. Review status: criteria provided, multiple submitters, no conflicts (2 of 4 stars). 2 submissions from 2 submitters: Uncertain significance (2). Last evaluated 2023-05-11.

Conditions:
Hereditary cancer-predisposing syndrome. Also called: Hereditary Cancer Syndrome; Tumor predisposition; Hereditary neoplastic syndrome; Neoplastic Syndromes, Hereditary. Identifiers: Orphanet 140162, MedGen C0027672, MeSH D009386, MONDO:0015356.
Multiple endocrine neoplasia type 4. Also called: MULTIPLE ENDOCRINE NEOPLASIA, TYPE IV. Identifiers: Orphanet 276152, MedGen C1970712, MONDO:0012552, OMIM 610755.

Allele frequency attached by ClinVar (database versions not stated): gnomAD exomes below 0.00001.
gnomAD v4.1: 2 of 1,611,226 alleles (0.00012%); highest among the groups gnomAD compares: African/African-American, 0.0013%; no homozygotes.

Submissions (2):

Ambry Genetics
Classification: Uncertain significance for Hereditary cancer-predisposing syndrome. Last evaluated: 2023-05-11. Review status: criteria provided, single submitter. Criteria: Ambry Variant Classification Scheme 2023. Collection method: clinical testing. Allele origin: germline.
Comment: The p.P137S variant (also known as c.409C>T), located in coding exon 1 of the CDKN1B gene, results from a C to T substitution at nucleotide position 409. The proline at codon 137 is replaced by serine, an amino acid with similar properties. This amino acid position is not well conserved in available vertebrate species. In addition, this alteration is predicted to be tolerated by in silico analysis. Since supporting evidence is limited at this time, the clinical significance of this alteration remains unclear.

Labcorp Genetics (formerly Invitae), Labcorp
Classification: Uncertain significance for Multiple endocrine neoplasia type 4. Last evaluated: 2022-08-21. Review status: criteria provided, single submitter. Criteria: Invitae Variant Classification Sherloc (09022015). Collection method: clinical testing. Allele origin: germline.
Comment: This sequence change replaces proline, which is neutral and non-polar, with serine, which is neutral and polar, at codon 137 of the CDKN1B protein (p.Pro137Ser). This variant is not present in population databases (gnomAD no frequency). This variant has not been reported in the literature in individuals affected with CDKN1B-related conditions. ClinVar contains an entry for this variant (Variation ID: 1054735). Algorithms developed to predict the effect of missense changes on protein structure and function output the following: SIFT: "Tolerated"; PolyPhen-2: "Benign"; Align-GVGD: "Class C0". The serine amino acid residue is found in multiple mammalian species, which suggests that this missense change does not adversely affect protein function. In summary, the available evidence is currently insufficient to determine the role of this variant in disease. Therefore, it has been classified as a Variant of Uncertain Significance.